The following is an entry in ClinVar:

NM_001270508.2(TNFAIP3):c.738C>G (p.Tyr246Ter)

Genes: TNFAIP3 (TNF alpha induced protein 3; plus strand), LOC126859807 (MED14-independent group 3 enhancer GRCh37_chr6:138196296-138197495; plus strand). Cytogenetic location: 6q23.3.
Variant type: single nucleotide variant.
Coding change: c.738C>G on transcript NM_001270508.2 (MANE Select); coding-DNA position 738, C replaced by G.
Protein change: p.Tyr246Ter; replaces tyrosine 246 with a stop codon.
Molecular consequence: nonsense.
Genome position (GRCh38, 1-based): chr6:137,876,099, C>G. VCF-style: chr6-137876099-C-G. GRCh37 (hg19) VCF-style: chr6-138197236-C-G.
Other names: c.738C>G, p.Tyr246Ter (NM_001270507.2, NM_006290.4); short protein forms Y246*.
Identifiers: ClinVar variation 1705586 (VCV001705586.1), dbSNP rs752539001, ClinGen allele CA365784360.
Genomic context (GRCh38, chr6:137,876,099, plus strand): 5'-TTTGAAAGTGGGTGGAATTTACTTGCCTCTCCACTGGCCTGCCCAGGAATGCTACAGATA[C>G]CCCATTGTTCTCGGCTATGACAGCCATCATTTTGTACCCTTGGTGACCCTGAAGGACAGT-3'

ClinVar aggregate classification (germline): Likely pathogenic (1 of 4 stars; one submission).

Conditions:
Autoinflammatory syndrome, familial, Behcet-like 1 (AIFBL1). Also called: Haploinsufficiency of A20. Identifiers: Orphanet 674762, MedGen C4225218, MONDO:0800045, OMIM 616744.

Submission:

3billion
Classification: Likely pathogenic for Autoinflammatory syndrome, familial, Behcet-like 1. Last evaluated: 2022-09-01. Review status: criteria provided, single submitter. Criteria: ACMG Guidelines, 2015. Collection method: clinical testing. Allele origin: germline. Affected: yes. Observed: 1 heterozygote.
Comment: The variant is not observed in the gnomAD v2.1.1 dataset. Stop-gained (nonsense) is predicted to result in a loss or disruption of normal protein function through nonsense-mediated decay (NMD) or protein truncation. Multiple pathogenic variants are reported downstream of the variant. Therefore, this variant is classified as Likely pathogenic according to the recommendation of ACMG/AMP guideline.